The following is an entry in ClinVar:

ClinVar aggregate classification (germline): Uncertain significance. Review status: criteria provided, multiple submitters, no conflicts (2 of 4 stars). 2 submissions from 2 submitters: Uncertain significance (2). Last evaluated 2023-01-31.

Allele frequency attached by ClinVar (database versions not stated): gnomAD 0.00001; gnomAD exomes 0.00001; TOPMed 0.00001.
gnomAD v4.1: 11 of 1,073,249 alleles (0.001%); highest among the groups gnomAD compares: Non-Finnish European, 0.0013%; no homozygotes.

Submissions (2):

GeneDx
Classification: Uncertain significance. Last evaluated: 2023-01-31. Review status: criteria provided, single submitter. Criteria: GeneDx Variant Classification Process June 2021. Collection method: clinical testing. Allele origin: germline. Affected: yes.
Comment: Not observed at significant frequency in large population cohorts (gnomAD); In silico analysis supports that this missense variant does not alter protein structure/function; Has not been previously published as pathogenic or benign to our knowledge

Labcorp Genetics (formerly Invitae), Labcorp
Classification: Uncertain significance. Last evaluated: 2022-02-18. Review status: criteria provided, single submitter. Criteria: Invitae Variant Classification Sherloc (09022015). Collection method: clinical testing. Allele origin: germline.
Comment: In summary, the available evidence is currently insufficient to determine the role of this variant in disease. Therefore, it has been classified as a Variant of Uncertain Significance. Algorithms developed to predict the effect of missense changes on protein structure and function (SIFT, PolyPhen-2, Align-GVGD) all suggest that this variant is likely to be disruptive. This variant has not been reported in the literature in individuals affected with NYX-related conditions. This variant is not present in population databases (gnomAD no frequency). This sequence change replaces glycine, which is neutral and non-polar, with aspartic acid, which is acidic and polar, at codon 176 of the NYX protein (p.Gly176Asp).

NM_001378477.3(NYX):c.512G>A (p.Gly171Asp)

Gene: NYX (nyctalopin; plus strand). Cytogenetic location: Xp11.4.
Variant type: single nucleotide variant.
Coding change: c.512G>A on transcript NM_001378477.3 (MANE Select); coding-DNA position 512, G replaced by A.
Protein change: p.Gly171Asp; replaces glycine 171 with aspartic acid.
Molecular consequence: missense variant.
Genome position (GRCh38, 1-based): chrX:41,473,980, G>A. VCF-style: chrX-41473980-G-A. GRCh37 (hg19) VCF-style: chrX-41333233-G-A.
Other names: c.527G>A (NM_022567.2); c.512G>A, p.Gly171Asp (NM_022567.3); short protein forms G171D.
Identifiers: ClinVar variation 1425125 (VCV001425125.6), dbSNP rs897030868, ClinGen allele CA329217049.